The following is an entry in ClinVar:

ClinVar aggregate classification (germline): Uncertain significance (1 of 4 stars; one submission).

Conditions:
Werner syndrome (WRN). Identifiers: Orphanet 902, MedGen C0043119, MONDO:0010196, OMIM 277700.

Submission:

Labcorp Genetics (formerly Invitae), Labcorp
Classification: Uncertain significance for Werner syndrome. Last evaluated: 2023-08-17. Review status: criteria provided, single submitter. Criteria: Invitae Variant Classification Sherloc (09022015). Collection method: clinical testing. Allele origin: germline.
Comment: In summary, the available evidence is currently insufficient to determine the role of this variant in disease. Therefore, it has been classified as a Variant of Uncertain Significance. An algorithm developed to predict the effect of missense changes on protein structure and function (PolyPhen-2) suggests that this variant is likely to be tolerated. ClinVar contains an entry for this variant (Variation ID: 1046667). This variant has not been reported in the literature in individuals affected with WRN-related conditions. This variant is not present in population databases (gnomAD no frequency). This sequence change replaces alanine, which is neutral and non-polar, with valine, which is neutral and non-polar, at codon 271 of the WRN protein (p.Ala271Val).

NM_000553.6(WRN):c.812C>T (p.Ala271Val)

Gene: WRN (WRN RecQ like helicase; plus strand). Cytogenetic location: 8p12.
Variant type: single nucleotide variant.
Coding change: c.812C>T on transcript NM_000553.6 (MANE Select); coding-DNA position 812, C replaced by T.
Protein change: p.Ala271Val; replaces alanine 271 with valine.
Molecular consequence: missense variant.
Genome position (GRCh38, 1-based): chr8:31,076,260, C>T. VCF-style: chr8-31076260-C-T. GRCh37 (hg19) VCF-style: chr8-30933776-C-T.
Other names: short protein forms A271V.
Identifiers: ClinVar variation 1046667 (VCV001046667.5), dbSNP rs1813090020, ClinGen allele CA370918631.